The following is an entry in ClinVar:

ClinVar aggregate classification (germline): Uncertain significance (1 of 4 stars; one submission).

Allele frequency attached by ClinVar (database versions not stated): gnomAD exomes below 0.00001 and 0.00001; TOPMed below 0.00001.

Submission:

Labcorp Genetics (formerly Invitae), Labcorp
Classification: Uncertain significance. Last evaluated: 2021-05-16. Review status: criteria provided, single submitter. Criteria: Invitae Variant Classification Sherloc (09022015). Collection method: clinical testing. Allele origin: germline.
Comment: In summary, the available evidence is currently insufficient to determine the role of this variant in disease. Therefore, it has been classified as a Variant of Uncertain Significance. Algorithms developed to predict the effect of sequence changes on RNA splicing suggest that this variant may create or strengthen a splice site, but this prediction has not been confirmed by published transcriptional studies. Algorithms developed to predict the effect of missense changes on protein structure and function are either unavailable or do not agree on the potential impact of this missense change (SIFT: "Tolerated"; PolyPhen-2: "Not Available"; Align-GVGD: "Class C0"). This variant has not been reported in the literature in individuals with ERCC6L2-related conditions. This variant is not present in population databases (ExAC no frequency). This sequence change replaces methionine with valine at codon 1031 of the ERCC6L2 protein (p.Met1031Val). The methionine residue is weakly conserved and there is a small physicochemical difference between methionine and valine.

NM_020207.7(ERCC6L2):c.3058A>G (p.Met1020Val)

Gene: ERCC6L2 (ERCC excision repair 6 like 2; plus strand). Cytogenetic location: 9q22.32.
Variant type: single nucleotide variant.
Coding change: c.3058A>G on transcript NM_020207.7 (MANE Select); coding-DNA position 3058, A replaced by G.
Protein change: p.Met1020Val; replaces methionine 1020 with valine.
Molecular consequence: missense variant. On other transcripts: non-coding transcript variant (1).
Genome position (GRCh38, 1-based): chr9:95,972,809, A>G. VCF-style: chr9-95972809-A-G. GRCh37 (hg19) VCF-style: chr9-98735091-A-G.
Other names: c.3058A>G, p.Met1020Val (NM_001375291.1, NM_001375292.1, NM_001375293.1 and 1 more transcripts); short protein forms M1020V.
Identifiers: ClinVar variation 1373377 (VCV001373377.8), dbSNP rs1264336089, ClinGen allele CA589285457.